The following is an entry in ClinVar:

ClinVar aggregate classification (germline): Uncertain significance. Review status: criteria provided, multiple submitters, no conflicts (2 of 4 stars). 2 submissions from 2 submitters: Uncertain significance (2). Last evaluated 2022-02-04.

Conditions:
Bethlem myopathy 1A. Also called: MYOPATHY, BENIGN CONGENITAL, WITH CONTRACTURES; Bethlem myopathy 1; Bethlem Muscular Dystrophy. Identifiers: Orphanet 610, MedGen CN029274, MONDO:0024530, OMIM 158810.

Submissions (2):

Labcorp Genetics (formerly Invitae), Labcorp
Classification: Uncertain significance for Bethlem myopathy 1A. Last evaluated: 2022-02-04. Review status: criteria provided, single submitter. Criteria: Invitae Variant Classification Sherloc (09022015). Collection method: clinical testing. Allele origin: germline.
Comment: This variant, c.2846_2857dup, results in the insertion of 4 amino acid(s) of the COL6A2 protein (p.Asp949_Thr952dup), but otherwise preserves the integrity of the reading frame. This variant is present in population databases (rs775193167, gnomAD 0.003%). In summary, the available evidence is currently insufficient to determine the role of this variant in disease. Therefore, it has been classified as a Variant of Uncertain Significance. Experimental studies and prediction algorithms are not available or were not evaluated, and the functional significance of this variant is currently unknown. ClinVar contains an entry for this variant (Variation ID: 652632). This variant has not been reported in the literature in individuals affected with COL6A2-related conditions.

Blueprint Genetics
Classification: Uncertain significance. Last evaluated: 2021-10-14. Review status: criteria provided, single submitter. Criteria: ACMG Guidelines, 2015. Collection method: clinical testing. Allele origin: germline.

NM_001849.4(COL6A2):c.2846_2857dup (p.Asp949_Thr952dup)

Gene: COL6A2 (collagen type VI alpha 2 chain; plus strand). Cytogenetic location: 21q22.3.
Variant type: Duplication.
Coding change: c.2846_2857dup on transcript NM_001849.4 (MANE Select); coding-DNA positions 2846 to 2857, 12 bases duplicated (ACGGCGTCACGG).
Protein change: p.Asp949_Thr952dup.
Molecular consequence: inframe insertion.
Genome position (GRCh38, 1-based): chr21:46,132,338-46,132,349, ACGGCGTCACGG duplicated; duplicating any 12 consecutive bases within chr21:46,132,332-46,132,349 gives the same sequence; the c. name uses the placement nearest the transcript's 3' end. VCF-style (leftmost placement, unchanged base first): chr21-46132331-C-CTCACGGACGGCG. GRCh37 (hg19) VCF-style: chr21-47552245-C-CTCACGGACGGCG.
Identifiers: ClinVar variation 652632 (VCV000652632.8), dbSNP rs775193167, ClinGen allele CA10073045.